The following is an entry in ClinVar:

ClinVar aggregate classification (germline): Benign/Likely benign. Review status: criteria provided, multiple submitters, no conflicts (2 of 4 stars). 2 submissions from 2 submitters: Benign (1); Likely benign (1). Last evaluated 2024-11-09.

Allele frequency attached by ClinVar (database versions not stated): TOPMed 0.00002; gnomAD 0.00003 and 0.00004; gnomAD exomes 0.00003; ExAC 0.00005; 1000 Genomes Project 30x 0.00042; 1000 Genomes Project 0.00053.
gnomAD v4.1: 33 of 1,177,504 alleles (0.0028%); highest among the groups gnomAD compares: South Asian, 0.012%; no homozygotes.

Submissions (2):

Labcorp Genetics (formerly Invitae), Labcorp
Classification: Benign. Last evaluated: 2024-11-09. Review status: criteria provided, single submitter. Criteria: Invitae Variant Classification Sherloc (09022015). Collection method: clinical testing. Allele origin: germline.

CeGaT Center for Human Genetics Tuebingen
Classification: Likely benign. Last evaluated: 2024-09-01. Review status: criteria provided, single submitter. Criteria: CeGaT Center For Human Genetics Tuebingen Variant Classification Criteria Version 2. Collection method: clinical testing. Allele origin: germline. Affected: yes. Observed: 2 variant alleles.
Comment: ZC4H2: BP4, BP7, BS2

NM_018684.4(ZC4H2):c.528G>A (p.Thr176=)

Gene: ZC4H2 (zinc finger C4H2-type containing; minus strand). Cytogenetic location: Xq11.2.
Variant type: single nucleotide variant.
Coding change: c.528G>A on transcript NM_018684.4 (MANE Select); coding-DNA position 528, G replaced by A.
Protein change: p.Thr176=; no amino-acid change (threonine 176 retained).
Molecular consequence: synonymous variant. On other transcripts: non-coding transcript variant (1), intron variant (1).
Genome position (GRCh38, 1-based): chrX:64,919,075, C>T on the plus strand (G>A on the coding strand, the complement: ZC4H2 is on the minus strand). VCF-style: chrX-64919075-C-T. GRCh37 (hg19) VCF-style: chrX-64138955-C-T.
Other names: c.459G>A, p.Thr153= (NM_001178032.3, NM_001243804.2); c.398+1006G>A (NM_001178033.3).
Identifiers: ClinVar variation 731473 (VCV000731473.28), dbSNP rs776690547, ClinGen allele CA10433389.